The following is an entry in ClinVar:

NM_001130009.3(GEN1):c.446A>T (p.Asp149Val)

Gene: GEN1 (GEN1 Holliday junction 5' flap endonuclease; plus strand). Cytogenetic location: 2p24.2.
Variant type: single nucleotide variant.
Coding change: c.446A>T on transcript NM_001130009.3 (MANE Select); coding-DNA position 446, A replaced by T.
Protein change: p.Asp149Val; replaces aspartic acid 149 with valine.
Molecular consequence: missense variant.
Genome position (GRCh38, 1-based): chr2:17,764,994, A>T. VCF-style: chr2-17764994-A-T. GRCh37 (hg19) VCF-style: chr2-17946261-A-T.
Other names: c.446A>T, p.Asp149Val (NM_182625.5); short protein forms D149V.
Identifiers: ClinVar variation 4029151 (VCV004029151.1).

ClinVar aggregate classification (germline): Uncertain significance (1 of 4 stars; one submission).

Submission:

Ambry Genetics
Classification: Uncertain significance. Last evaluated: 2025-03-17. Review status: criteria provided, single submitter. Criteria: Ambry Variant Classification Scheme 2023. Collection method: clinical testing. Allele origin: germline.
Comment: The p.D149V variant (also known as c.446A>T), located in coding exon 3 of the GEN1 gene, results from an A to T substitution at nucleotide position 446. The aspartic acid at codon 149 is replaced by valine, an amino acid with highly dissimilar properties. This amino acid position is conserved. In addition, this alteration is predicted to be deleterious by in silico analysis. Based on the available evidence, the clinical significance of this variant remains unclear.